The following is an entry in ClinVar:

ClinVar aggregate classification (germline): Likely pathogenic (1 of 4 stars; one submission).

Conditions:
Rauch-Steindl syndrome (RAUST). Identifiers: Orphanet 659642, MedGen C5562061, MONDO:0859219, OMIM 619695.

Submission:

Foundation for Research in Genetics and Endocrinology, FRIGE's Institute of Human Genetics
Classification: Likely pathogenic for Rauch-Steindl syndrome. Last evaluated: 2026-08-29. Review status: criteria provided, single submitter. Criteria: ACMG Guidelines, 2015. Collection method: clinical testing. Allele origin: germline. Inheritance: Autosomal dominant inheritance. Affected: yes. Observed: 1 variant allele, 1 heterozygote.
Comment: A heterozygous 1 base pair deletion in exon 2 of the NSD2 gene that results in a frameshift and premature truncation of the protein 14 amino acids downstream to codon 160 (p.Lys160AsnfsTer14) was detected. The observed variant has not been reported in the 1000 genomes, gnomAD (v3.1), gnomAD (v2.1) and topmed databases. The reference codon is conserved across species. . In summary, the variant meets our criteria to be classified as likely pathogenic.

NM_001042424.3(NSD2):c.480del (p.Lys160fs)

Gene: NSD2 (nuclear receptor binding SET domain protein 2; plus strand). Cytogenetic location: 4p16.3.
Variant type: Deletion.
Coding change: c.480del on transcript NM_001042424.3 (MANE Select); coding-DNA position 480, one base deleted (A; older notation c.480delA).
Protein change: p.Lys160fs; shifts the reading frame from lysine 160.
Molecular consequence: frameshift variant. On other transcripts: 5 prime UTR variant (2).
Genome position (GRCh38, 1-based): chr4:1,901,134, A deleted; the last of 5 consecutive A bases (chr4:1,901,130-1,901,134); deleting any one gives the same sequence. VCF-style (leftmost placement, unchanged base first): chr4-1901129-CA-C. GRCh37 (hg19) VCF-style: chr4-1902856-CA-C.
Other names: p.Lys160AsnfsTer14; c.480del, p.Lys160fs (NM_001440892.1, NM_001440893.1, NM_001440894.1 and 9 more transcripts); c.-327del (NM_001440899.1); c.-594del (NM_001440900.1); short protein forms K160fs.
Identifiers: ClinVar variation 5021455 (VCV005021455.1).